The following is an entry in ClinVar:

NM_000138.5(FBN1):c.1603T>A (p.Leu535Ile)

Gene: FBN1 (fibrillin 1; minus strand). Cytogenetic location: 15q21.1.
Variant type: single nucleotide variant.
Coding change: c.1603T>A on transcript NM_000138.5 (MANE Select); coding-DNA position 1603, T replaced by A.
Protein change: p.Leu535Ile; replaces leucine 535 with isoleucine.
Molecular consequence: missense variant.
Genome position (GRCh38, 1-based): chr15:48,510,155, A>T on the plus strand (T>A on the coding strand, the complement: FBN1 is on the minus strand). VCF-style: chr15-48510155-A-T. GRCh37 (hg19) VCF-style: chr15-48802352-A-T.
Other names: short protein forms L535I.
Identifiers: ClinVar variation 527209 (VCV000527209.16), dbSNP rs1485432119, ClinGen allele CA392341345.
Genomic context (GRCh38, chr15:48,510,155, plus strand): 5'-AATGAAAACTGCCATCTGTGTTGATGCAGCGTCCATTATTGCAGATCCGGCCATTCTGTA[A>T]ACACTCATCAATGTCTAAAATCAAAGTTTAAAAAGAAGAAATAGCTTTATTTAGGGGAGT-3'
Protein context (NP_000129.3, residues 525-545): RTECRDIDEC[Leu535Ile]QNGRICNNGR

ClinVar aggregate classification (germline): Conflicting classifications of pathogenicity. Review status: criteria provided, conflicting classifications (1 of 4 stars). 5 submissions from 5 submitters: Uncertain significance (4); Likely benign (1). Last evaluated 2024-09-23.

Conditions:
MASS syndrome (OCTD). Also called: OVERLAP CONNECTIVE TISSUE DISEASE; MASS PHENOTYPE. Identifiers: MedGen C1858556, MONDO:0011431, OMIM 604308.
Progeroid and marfanoid aspect-lipodystrophy syndrome. Also called: MARFANOID-PROGEROID SYNDROME; MARFAN-PROGEROID-LIPODYSTROPHY SYNDROME; Marfan lipodystrophy syndrome; MARFANOID-PROGEROID-LIPODYSTROPHY SYNDROME. Identifiers: Orphanet 300382, MedGen C4310796, MONDO:0014831, OMIM 616914.
Ectopia lentis 1, isolated, autosomal dominant (ECTOL1). Identifiers: Orphanet 1885, MedGen C3541518, MONDO:0007514, OMIM 129600.
Weill-Marchesani syndrome 2, dominant. Also called: Weill-Marchesani Syndrome, Autosomal Dominant; FBN1-Related Weill-Marchesani Syndrome. Identifiers: Orphanet 2084, MedGen C1869115, MONDO:0012013, OMIM 608328.
Acromicric dysplasia (ACMICD). Also called: Acromicric skeletal dysplasia. Identifiers: Orphanet 969, MedGen C0265287, MONDO:0007055, OMIM 102370.
Geleophysic dysplasia 2 (GPHYSD2). Identifiers: Orphanet 2623, MedGen C3280054, MONDO:0013612, OMIM 614185.
Stiff skin syndrome (SSKS). Identifiers: Orphanet 2833, MedGen C1861456, MONDO:0008492, OMIM 184900.
Marfan syndrome (MFS). Also called: Marfan syndrome type 1; Marfan syndrome, classic; Marfan's syndrome; FBN1-Related Marfan Syndrome; MARFAN SYNDROME, TYPE I. Identifiers: Orphanet 284963, Orphanet 558, MedGen C0024796, MONDO:0007947, OMIM 154700.
Familial thoracic aortic aneurysm and aortic dissection (TAAD). Also called: Thoracic aortic aneurysms and dissections. Identifiers: Orphanet 91387, MedGen C4707243, MONDO:0019625.

Allele frequency attached by ClinVar (database versions not stated): TOPMed below 0.00001; gnomAD exomes 0.00001.
gnomAD v4.1: 4 of 1,613,306 alleles (0.00025%); highest among the groups gnomAD compares: Admixed American, 0.0067%; no homozygotes.

Submissions (5):

All of Us Research Program, National Institutes of Health
Classification: Uncertain significance for Marfan syndrome. Last evaluated: 2024-09-23. Review status: criteria provided, single submitter. Criteria: ACMG Guidelines, 2015. Collection method: clinical testing. Allele origin: germline. Inheritance: Autosomal dominant inheritance. Observed: 3 variant alleles, 3 heterozygotes.
Comment: This missense variant replaces leucine with isoleucine at codon 535 of the FBN1 protein. Computational prediction suggests that this variant may not impact protein structure and function (internally defined REVEL score threshold <= 0.5, PMID: 27666373). To our knowledge, functional studies have not been reported for this variant. This variant has not been reported in individuals affected with FBN1-related disorders in the literature. This variant has been identified in 3/251204 chromosomes in the general population by the Genome Aggregation Database (gnomAD). The available evidence is insufficient to determine the role of this variant in disease conclusively. Therefore, this variant is classified as a Variant of Uncertain Significance.

This study involves interpretation of variants in research participants for the purpose of population health screening. Participant phenotype was not available at the time of variant classification. Additional details can be found in publication PMID: 35346344, PMCID: PMC8962531

Labcorp Genetics (formerly Invitae), Labcorp
Classification: Likely benign for Marfan syndrome; Familial thoracic aortic aneurysm and aortic dissection. Last evaluated: 2024-06-25. Review status: criteria provided, single submitter. Criteria: Invitae Variant Classification Sherloc (09022015). Collection method: clinical testing. Allele origin: germline.

Color Diagnostics, LLC DBA Color Health
Classification: Uncertain significance for Familial thoracic aortic aneurysm and aortic dissection. Last evaluated: 2023-11-22. Review status: criteria provided, single submitter. Criteria: ACMG Guidelines, 2015. Collection method: clinical testing. Allele origin: germline.
Comment: This missense variant replaces leucine with isoleucine at codon 535 of the FBN1 protein. Computational prediction suggests that this variant may not impact protein structure and function (internally defined REVEL score threshold <= 0.5, PMID: 27666373). To our knowledge, functional studies have not been reported for this variant. This variant has not been reported in individuals affected with FBN1-related disorders in the literature. This variant has been identified in 3/251204 chromosomes in the general population by the Genome Aggregation Database (gnomAD). The available evidence is insufficient to determine the role of this variant in disease conclusively. Therefore, this variant is classified as a Variant of Uncertain Significance.

Women's Health and Genetics/Laboratory Corporation of America, LabCorp
Classification: Uncertain significance. Last evaluated: 2022-10-24. Review status: criteria provided, single submitter. Criteria: LabCorp Variant Classification Summary - May 2015. Collection method: clinical testing. Allele origin: germline.
Comment: Variant summary: FBN1 c.1603T>A (p.Leu535Ile) results in a conservative amino acid change located in the EGF-like domain (IPR000742) of the encoded protein sequence. Four of five in-silico tools predict a benign effect of the variant on protein function. The variant allele was found at a frequency of 1.2e-05 in 251204 control chromosomes (gnomAD). The available data on variant occurrences in the general population are insufficient to allow any conclusion about variant significance. To our knowledge, no occurrence of c.1603T>A in individuals affected with Marfan Syndrome and no experimental evidence demonstrating its impact on protein function have been reported. One clinical diagnostic laboratory has submitted clinical-significance assessments for this variant to ClinVar after 2014 and classified the variant as uncertain significance. Based on the evidence outlined above, the variant was classified as uncertain significance.

Fulgent Genetics
Classification: Uncertain significance for Acromicric dysplasia; Ectopia lentis 1, isolated, autosomal dominant; Marfan syndrome; Stiff skin syndrome; MASS syndrome; Weill-Marchesani syndrome 2, dominant; Geleophysic dysplasia 2; Progeroid and marfanoid aspect-lipodystrophy syndrome. Last evaluated: 2022-01-13. Review status: criteria provided, single submitter. Criteria: ACMG Guidelines, 2015. Collection method: clinical testing. Allele origin: unknown.